The following is an entry in ClinVar:

ClinVar aggregate classification (germline): Benign. Review status: criteria provided, multiple submitters, no conflicts (2 of 4 stars). 3 submissions from 3 submitters: Benign (3). Last evaluated 2022-11-22.

Allele frequency attached by ClinVar (database versions not stated): gnomAD 0.00309 and 0.00302; 1000 Genomes Project 30x 0.00354; gnomAD exomes 0.00477 and 0.00276; ExAC 0.00257; TOPMed 0.00351; ESP Exome Variant Server 0.00284; 1000 Genomes Project 0.00318.
gnomAD v4.1: 5,481 of 1,182,891 alleles (0.46%); highest among the groups gnomAD compares: Non-Finnish European, 0.57%; 17 homozygotes.

Submissions (3):

Mayo Clinic Laboratories, Mayo Clinic
Classification: Benign. Last evaluated: 2022-11-22. Review status: criteria provided, single submitter. Criteria: ACMG Guidelines, 2015. Collection method: clinical testing. Allele origin: germline. Observed: 4 variant alleles.
Comment: BS1, BS2, BP4, BP7

GeneDx
Classification: Benign. Last evaluated: 2016-09-09. Review status: criteria provided, single submitter. Criteria: GeneDx Variant Classification (06012015). Collection method: clinical testing. Allele origin: germline. Affected: yes.
Comment: This variant is considered likely benign or benign based on one or more of the following criteria: it is a conservative change, it occurs at a poorly conserved position in the protein, it is predicted to be benign by multiple in silico algorithms, and/or has population frequency not consistent with disease.

Breakthrough Genomics
Classification: Benign. Review status: criteria provided, single submitter. Criteria: ACMG Guidelines, 2015. Collection method: not provided. Allele origin: germline. Inheritance: X-linked inheritance. Affected: yes.

NM_000292.3(PHKA2):c.-24C>T

Gene: PHKA2 (phosphorylase kinase regulatory subunit alpha 2; minus strand). Cytogenetic location: Xp22.13.
Variant type: single nucleotide variant.
Coding change: c.-24C>T on transcript NM_000292.3 (MANE Select); 24 bases upstream of the start codon, C replaced by T.
Molecular consequence: 5 prime UTR variant.
Genome position (GRCh38, 1-based): chrX:18,983,956, G>A on the plus strand (C>T on the coding strand, the complement: PHKA2 is on the minus strand). VCF-style: chrX-18983956-G-A. GRCh37 (hg19) VCF-style: chrX-19002074-G-A.
Identifiers: ClinVar variation 381442 (VCV000381442.3), dbSNP rs186848251, ClinGen allele CA10362217.
Genomic context (GRCh38, chrX:18,983,956, plus strand): 5'-CGTCCAAGCGGACCCCGGAATTGCTCCTGCTCCGCATCTCCCCGAGGCTCCCAGGCCGCA[G>A]CGCCCGATCTGCCGCGTGGGCGCGGGACGTCGGGGCTGTGGCCTCCAAGCGGGTCTGGTT-3'